The following is an entry in ClinVar:

NM_001386135.1(AFF3):c.3569A>G (p.Asn1190Ser)

Gene: AFF3 (ALF transcription elongation factor 3; minus strand). Cytogenetic location: 2q11.2.
Variant type: single nucleotide variant.
Coding change: c.3569A>G on transcript NM_001386135.1 (MANE Select); coding-DNA position 3569, A replaced by G.
Protein change: p.Asn1190Ser; replaces asparagine 1190 with serine.
Molecular consequence: missense variant.
Genome position (GRCh38, 1-based): chr2:99,551,586, T>C on the plus strand (A>G on the coding strand, the complement: AFF3 is on the minus strand). VCF-style: chr2-99551586-T-C. GRCh37 (hg19) VCF-style: chr2-100168048-T-C.
Other names: c.3644A>G, p.Asn1215Ser (NM_001025108.2); c.3569A>G, p.Asn1190Ser (NM_002285.3); short protein forms N1190S, N1215S.
Identifiers: ClinVar variation 3767440 (VCV003767440.1).

ClinVar aggregate classification (germline): Uncertain significance (1 of 4 stars; one submission).

Submission:

GeneDx
Classification: Uncertain significance. Last evaluated: 2024-09-05. Review status: criteria provided, single submitter. Criteria: GeneDx Variant Classification Process June 2021. Collection method: clinical testing. Allele origin: germline. Affected: yes.
Comment: Not observed at significant frequency in large population cohorts (gnomAD); In silico analysis indicates that this missense variant does not alter protein structure/function; Has not been previously published as pathogenic or benign to our knowledge